The following is an entry in ClinVar:

ClinVar aggregate classification (germline): Uncertain significance (1 of 4 stars; one submission).

Conditions:
Aniridia 1 (AN1). Identifiers: Orphanet 250923, MedGen C0344542, MONDO:0024507, OMIM 106210.
Irido-corneo-trabecular dysgenesis (ASGD5). Also called: ANTERIOR SEGMENT DYSGENESIS 5. Identifiers: Orphanet 708, MedGen C0344559, MONDO:0011414, OMIM 604229, HP:0000659.

gnomAD v4.1: 5 of 1,614,110 alleles (0.00031%); highest among the groups gnomAD compares: Middle Eastern, 0.049%; no homozygotes.

Submission:

Labcorp Genetics (formerly Invitae), Labcorp
Classification: Uncertain significance for Aniridia 1; Irido-corneo-trabecular dysgenesis. Last evaluated: 2024-09-04. Review status: criteria provided, single submitter. Criteria: Invitae Variant Classification Sherloc (09022015). Collection method: clinical testing. Allele origin: germline.
Comment: This sequence change replaces threonine, which is neutral and polar, with serine, which is neutral and polar, at codon 153 of the PAX6 protein (p.Thr153Ser). This variant is present in population databases (rs754636793, gnomAD 0.0009%). This variant has not been reported in the literature in individuals affected with PAX6-related conditions. Invitae Evidence Modeling of protein sequence and biophysical properties (such as structural, functional, and spatial information, amino acid conservation, physicochemical variation, residue mobility, and thermodynamic stability) indicates that this missense variant is not expected to disrupt PAX6 protein function with a negative predictive value of 95%. In summary, the available evidence is currently insufficient to determine the role of this variant in disease. Therefore, it has been classified as a Variant of Uncertain Significance.

NM_001368894.2(PAX6):c.499A>T (p.Thr167Ser)

Gene: PAX6 (paired box 6; minus strand). Cytogenetic location: 11p13.
Variant type: single nucleotide variant.
Coding change: c.499A>T on transcript NM_001368894.2 (MANE Select); coding-DNA position 499, A replaced by T.
Protein change: p.Thr167Ser; replaces threonine 167 with serine.
Molecular consequence: missense variant. On other transcripts: non-coding transcript variant (2).
Genome position (GRCh38, 1-based): chr11:31,800,757, T>A on the plus strand (A>T on the coding strand, the complement: PAX6 is on the minus strand). VCF-style: chr11-31800757-T-A. GRCh37 (hg19) VCF-style: chr11-31822305-T-A.
Other names: c.457A>T, p.Thr153Ser (NM_000280.6, NM_001127612.3, NM_001258464.2 and 10 more transcripts); c.499A>T, p.Thr167Ser (NM_001258462.3, NM_001258463.2, NM_001310158.2 and 6 more transcripts); c.49A>T, p.Thr17Ser (NM_001310160.2, NM_001310161.3, NM_001368899.2 and 11 more transcripts); c.700A>T, p.Thr234Ser (NM_001368910.2); c.502A>T, p.Thr168Ser (NM_001368911.2); c.574A>T, p.Thr192Ser (NM_001368918.2, NM_001368919.2); c.532A>T, p.Thr178Ser (NM_001368920.2); c.298A>T, p.Thr100Ser (NM_001368921.2, NM_001368922.2, NM_001368923.2 and 4 more transcripts); and 1 more; short protein forms T100S, T153S, T167S, T168S, T178S, T17S, T192S, T234S.
Identifiers: ClinVar variation 3747895 (VCV003747895.2).